The following is an entry in ClinVar:

NM_006231.4(POLE):c.4150-5G>A

Gene: POLE (DNA polymerase epsilon, catalytic subunit; minus strand). Cytogenetic location: 12q24.33.
Variant type: single nucleotide variant.
Coding change: c.4150-5G>A on transcript NM_006231.4 (MANE Select); 5 bases into the intron before coding-DNA position 4150, G replaced by A.
Molecular consequence: intron variant.
Genome position (GRCh38, 1-based): chr12:132,643,982, C>T on the plus strand (G>A on the coding strand, the complement: POLE is on the minus strand). VCF-style: chr12-132643982-C-T. GRCh37 (hg19) VCF-style: chr12-133220568-C-T.
Identifiers: ClinVar variation 540859 (VCV000540859.18), dbSNP rs771624962, ClinGen allele CA6892961.

ClinVar aggregate classification (germline): Conflicting classifications of pathogenicity. Review status: criteria provided, conflicting classifications (1 of 4 stars). 2 submissions from 2 submitters: Uncertain significance (1); Likely benign (1). Last evaluated 2026-01-07.

Conditions:
Hereditary cancer-predisposing syndrome. Also called: Tumor predisposition; Hereditary Cancer Syndrome; Neoplastic Syndromes, Hereditary; Hereditary neoplastic syndrome. Identifiers: Orphanet 140162, MedGen C0027672, MeSH D009386, MONDO:0015356.

Allele frequency attached by ClinVar (database versions not stated): gnomAD exomes 0.00001; ExAC 0.00002; gnomAD 0.00002; TOPMed 0.00002.
gnomAD v4.1: 13 of 1,611,466 alleles (0.00081%); highest among the groups gnomAD compares: Admixed American, 0.0033%; no homozygotes.

Submissions (2):

Ambry Genetics
Classification: Uncertain significance for Hereditary cancer-predisposing syndrome. Last evaluated: 2026-01-07. Review status: criteria provided, single submitter. Criteria: Ambry Variant Classification Scheme 2023. Collection method: clinical testing. Allele origin: germline.
Comment: The c.4150-5G>A intronic variant results from a G to A substitution 5 nucleotides upstream from coding exon 33 in the POLE gene. This nucleotide position is poorly conserved in available vertebrate species. In silico splice site analysis predicts that this alteration will not have any significant effect on splicing. Based on the available evidence, the clinical significance of this variant remains unclear.

Labcorp Genetics (formerly Invitae), Labcorp
Classification: Likely benign. Last evaluated: 2025-12-10. Review status: criteria provided, single submitter. Criteria: Invitae Variant Classification Sherloc (09022015). Collection method: clinical testing. Allele origin: germline.